The following is an entry in ClinVar:

NM_000182.5(HADHA):c.311T>C (p.Ile104Thr)

Gene: HADHA (hydroxyacyl-CoA dehydrogenase trifunctional multienzyme complex subunit alpha; minus strand). Cytogenetic location: 2p23.3.
Variant type: single nucleotide variant.
Coding change: c.311T>C on transcript NM_000182.5 (MANE Select); coding-DNA position 311, T replaced by C.
Protein change: p.Ile104Thr; replaces isoleucine 104 with threonine.
Molecular consequence: missense variant.
Genome position (GRCh38, 1-based): chr2:26,236,858, A>G on the plus strand (T>C on the coding strand, the complement: HADHA is on the minus strand). VCF-style: chr2-26236858-A-G. GRCh37 (hg19) VCF-style: chr2-26459726-A-G.
Other names: short protein forms I104T.
Identifiers: ClinVar variation 4278775 (VCV004278775.1).
Genomic context (GRCh38, chr2:26,236,858, plus strand): 5'-CTAAGAAACACACTATTAACCAAGATAAAAGGTGACTTCAAGTTTCCTAAAACTTACTTG[A>G]TATCAGCACCTGCAATAAAGCAGCCTGGCTTTGATGAGATAAGGACGGCACTTCTGATTT-3'
Protein context (NP_000173.2, residues 94-114): KPGCFIAGAD[Ile104Thr]NMLAACKTLQ

ClinVar aggregate classification (germline): Uncertain significance (1 of 4 stars; one submission).

gnomAD v4.1: 9 of 1,610,928 alleles (0.00056%); highest among the groups gnomAD compares: East Asian, 0.0045%; no homozygotes.

Submission:

GeneDx
Classification: Uncertain significance. Last evaluated: 2025-03-29. Review status: criteria provided, single submitter. Criteria: GeneDx Variant Classification Process June 2021. Collection method: clinical testing. Allele origin: germline. Affected: yes.
Comment: Not observed at significant frequency in large population cohorts (gnomAD); In silico analysis supports that this missense variant has a deleterious effect on protein structure/function; Has not been previously published as pathogenic or benign to our knowledge